The following is an entry in ClinVar:

NM_000548.5(TSC2):c.4099_4100insT (p.Gly1367fs)

Gene: TSC2 (TSC complex subunit 2; plus strand). Cytogenetic location: 16p13.3.
Variant type: Insertion.
Coding change: c.4099_4100insT on transcript NM_000548.5 (MANE Select); coding-DNA positions 4099 to 4100, T inserted.
Protein change: p.Gly1367fs; shifts the reading frame from glycine 1367.
Molecular consequence: frameshift variant.
Genome position: GRCh38 VCF-style: chr16-2084321-G-GT. GRCh37 (hg19) VCF-style: chr16-2134322-G-GT.
Other names: c.3898_3899insT, p.Gly1300fs (NM_001077183.3); c.4030_4031insT, p.Gly1344fs (NM_001114382.3); c.3790_3791insT, p.Gly1264fs (NM_001318827.2); c.3754_3755insT, p.Gly1252fs (NM_001318829.2); c.3367_3368insT, p.Gly1123fs (NM_001318831.2); c.3931_3932insT, p.Gly1311fs (NM_001318832.2); c.3901_3902insT, p.Gly1301fs (NM_001363528.2); c.3967_3968insT, p.Gly1323fs (NM_001370404.1); and 1 more; short protein forms G1123fs, G1252fs, G1324fs, G1344fs, G1367fs, G1300fs, G1301fs, G1264fs.
Identifiers: ClinVar variation 418993 (VCV000418993.2), dbSNP rs1064793573, ClinGen allele CA16620100.

ClinVar aggregate classification (germline): Pathogenic (1 of 4 stars; one submission).

Submission:

GeneDx
Classification: Pathogenic. Last evaluated: 2015-05-06. Review status: criteria provided, single submitter. Criteria: GeneDx Variant Classification (06012015). Collection method: clinical testing. Allele origin: germline. Affected: yes.
Comment: The c.4099_4100insT insertion in the TSC2 gene causes a frameshiftstarting with codon Gylcine 136,changes this amino acid to a Valine residue and creates a premature Stop codon at position 47 of the newreading frame, denoted p.Gly1367ValfsX47. This insertion is predicted to cause loss of normal proteinfunction either through protein truncation or nonsense-mediated mRNA decay. Although this variant has notbeen previously reported to our knowledge, other frameshift variants have been reported in the TSC2 genein association with TSC (TSC2 LOVD; Stenson et al., 2014). Therefore, we consider the c.4099_4100insT variant to be pathogenic.